The following is an entry in ClinVar:

ClinVar aggregate classification (germline): Likely pathogenic. Review status: criteria provided, multiple submitters, no conflicts (2 of 4 stars). 3 submissions from 3 submitters: Likely pathogenic (2). 1 of the submissions does not count toward it. Last evaluated 2025-07-24.

Conditions:
Polyglandular autoimmune syndrome, type 1 (APS1). Also called: HYPOADRENOCORTICISM WITH HYPOPARATHYROIDISM AND SUPERFICIAL MONILIASIS; Autoimmune polyendocrinopathy syndrome , type I, with or without reversible metaphyseal dysplasia; AUTOIMMUNE POLYENDOCRINE SYNDROME, TYPE I, WITH OR WITHOUT REVERSIBLE METAPHYSEAL DYSPLASIA; APS I; Autoimmune polyendocrinopathy syndrome, type I; Whitaker syndrome. Identifiers: Orphanet 3453, MedGen C0085859, MONDO:0009411, OMIM 240300.

Allele frequency attached by ClinVar (database versions not stated): TOPMed 0.00001; 1000 Genomes Project 30x 0.00031.
gnomAD v4.1: 3 of 1,612,516 alleles (0.00019%); highest among the groups gnomAD compares: African/African-American, 0.0027%; no homozygotes.

Submissions (3):

Natera, Inc.
Classification: Likely pathogenic for Polyglandular autoimmune syndrome type 1. Last evaluated: 2025-07-24. Review status: criteria provided, single submitter. Criteria: Natera Variant Classification Schema (03/2026). Collection method: clinical testing. Allele origin: germline.
Comment: The c.798+1G>C variant in AIRE is a canonical splice donor site variant predicted to affect pre-mRNA splicing, which may result in an abnormal transcript and altered protein product. This variant is expected to result in nonsense mediated decay, truncation, or a dysfunctional protein product. This variant is rare in the general population with a frequency below the threshold expected for the associated phenotype(s). Given the available evidence, this variant is classified as Likely Pathogenic.

Labcorp Genetics (formerly Invitae), Labcorp
Classification: Likely pathogenic for Polyglandular autoimmune syndrome, type 1. Last evaluated: 2022-10-28. Review status: criteria provided, single submitter. Criteria: Invitae Variant Classification Sherloc (09022015). Collection method: clinical testing. Allele origin: germline.
Comment: In summary, the currently available evidence indicates that the variant is pathogenic, but additional data are needed to prove that conclusively. Therefore, this variant has been classified as Likely Pathogenic. Algorithms developed to predict the effect of sequence changes on RNA splicing suggest that this variant may disrupt the consensus splice site. ClinVar contains an entry for this variant (Variation ID: 550974). This variant has not been reported in the literature in individuals affected with AIRE-related conditions. This variant is present in population databases (rs138489664, gnomAD 0.01%). This sequence change affects a donor splice site in intron 6 of the AIRE gene. It is expected to disrupt RNA splicing. Variants that disrupt the donor or acceptor splice site typically lead to a loss of protein function (PMID: 16199547), and loss-of-function variants in AIRE are known to be pathogenic (PMID: 11524731, 26141571).

Counsyl
Classification: Likely pathogenic for Polyglandular autoimmune syndrome, type 1. Last evaluated: 2017-03-06. Review status: no assertion criteria provided. Collection method: clinical testing. Allele origin: unknown. Not counted in ClinVar's aggregate classification.

Literature cited by the submitters: PubMed 16199547 (cited by Labcorp Genetics (formerly Invitae), Labcorp); PubMed 11524731 (cited by Labcorp Genetics (formerly Invitae), Labcorp); PubMed 26141571 (cited by Labcorp Genetics (formerly Invitae), Labcorp).

NM_000383.4(AIRE):c.798+1G>C

Gene: AIRE (autoimmune regulator; plus strand). Cytogenetic location: 21q22.3.
Variant type: single nucleotide variant.
Coding change: c.798+1G>C on transcript NM_000383.4 (MANE Select); the canonical splice donor site of the intron after coding-DNA position 798, G replaced by C.
Molecular consequence: splice donor variant.
Genome position (GRCh38, 1-based): chr21:44,289,803, G>C. VCF-style: chr21-44289803-G-C. GRCh37 (hg19) VCF-style: chr21-45709686-G-C.
Identifiers: ClinVar variation 550974 (VCV000550974.9), dbSNP rs138489664, ClinGen allele CA10051715.